The following is an entry in ClinVar:

ClinVar aggregate classification (germline): Pathogenic. Review status: criteria provided, single submitter (1 of 4 stars). 2 submissions from 2 submitters: Pathogenic (1). 1 of the submissions does not count toward it. Last evaluated 2023-08-22.

Conditions:
Retinitis pigmentosa 3. Also called: CHOROIDORETINAL DEGENERATION WITH RETINAL REFLEX IN HETEROZYGOUS WOMEN. Identifiers: Orphanet 791, MedGen C1845667, MONDO:0010227, OMIM 300029.

Submissions (2):

3billion
Classification: Pathogenic for Retinitis pigmentosa 3. Last evaluated: 2023-08-22. Review status: criteria provided, single submitter. Criteria: ACMG Guidelines, 2015. Collection method: clinical testing. Allele origin: germline. Affected: yes.
Comment: The variant is not observed in the gnomAD v2.1.1 dataset. Predicted Consequence/Location: Stop-gained (nonsense): predicted to result in a loss or disruption of normal protein function through nonsense-mediated decay (NMD) or protein truncation. Multiple pathogenic variants are reported downstream of the variant. The variant has been reported to be associated with RPGR related disorder (PMID: 10932196). Therefore, this variant is classified as Pathogenic according to the recommendation of ACMG/AMP guideline.

Retina International
No classification provided. Review status: no classification provided. Collection method: not provided. Allele origin: not provided. Not counted in ClinVar's aggregate classification.

Literature cited by the submitters: PubMed 10932196 (cited by 3billion).

NM_001034853.2(RPGR):c.415G>T (p.Glu139Ter)

Gene: RPGR (retinitis pigmentosa GTPase regulator; minus strand). Cytogenetic location: Xp11.4.
Variant type: single nucleotide variant.
Coding change: c.415G>T on transcript NM_001034853.2 (MANE Select); coding-DNA position 415, G replaced by T.
Protein change: p.Glu139Ter; replaces glutamic acid 139 with a stop codon.
Molecular consequence: nonsense. On other transcripts: non-coding transcript variant (6).
Genome position (GRCh38, 1-based): chrX:38,318,883, C>A on the plus strand (G>T on the coding strand, the complement: RPGR is on the minus strand). VCF-style: chrX-38318883-C-A. GRCh37 (hg19) VCF-style: chrX-38178136-C-A.
Other names: c.415G>T, p.Glu139Ter (NM_000328.3, NM_001367245.1, NM_001367246.1 and 3 more transcripts); c.445G>T, p.Glu149Ter (NM_001367248.1); c.412G>T, p.Glu138Ter (NM_001367249.1); short protein forms E139*, E138*, E149*.
Identifiers: ClinVar variation 98785 (VCV000098785.2), dbSNP rs62638645, ClinGen allele CA226420.
Genomic context (GRCh38, chrX:38,318,883, plus strand): 5'-TCTCACCAGTTAGGGCAGCTGAAGTATTAGATCCAGCAGACAGCTGCTTAATCTTATGCT[C>A]GGATGTAAAAAAGCTAATTACATGAAAAGTGTTTCTTTCTTCGGTGTCACCAAGCCCCAA-3'